The following is an entry in ClinVar:

NM_001902.6(CTH):c.138G>A (p.Thr46=)

Gene: CTH (cystathionine gamma-lyase; plus strand). Cytogenetic location: 1p31.1.
Variant type: single nucleotide variant.
Coding change: c.138G>A on transcript NM_001902.6 (MANE Select); coding-DNA position 138, G replaced by A.
Protein change: p.Thr46=; no amino-acid change (threonine 46 retained).
Molecular consequence: synonymous variant.
Genome position (GRCh38, 1-based): chr1:70,411,553, G>A. VCF-style: chr1-70411553-G-A. GRCh37 (hg19) VCF-style: chr1-70877236-G-A.
Other names: c.138G>A, p.Thr46= (NM_001190463.2, NM_153742.5).
Identifiers: ClinVar variation 3355176 (VCV003355176.1).

ClinVar aggregate classification (germline): Likely benign (0 of 4 stars; one submission).

Conditions:
CTH-related disorder. Also called: CTH-related condition.

gnomAD v4.1: 42 of 1,614,068 alleles (0.0026%); highest among the groups gnomAD compares: African/African-American, 0.048%; no homozygotes.

Submission:

PreventionGenetics, part of Exact Sciences
Classification: Likely benign for CTH-related condition. Last evaluated: 2019-09-25. Review status: no assertion criteria provided. Collection method: clinical testing. Allele origin: germline.
Comment: This variant is classified as likely benign based on ACMG/AMP sequence variant interpretation guidelines (Richards et al. 2015 PMID: 25741868, with internal and published modifications).